The following is an entry in ClinVar:

NM_001174089.2(SLC4A11):c.1533_1536del (p.His511fs)

Gene: SLC4A11 (solute carrier family 4 member 11; minus strand). Cytogenetic location: 20p13.
Variant type: Microsatellite.
Coding change: c.1533_1536del on transcript NM_001174089.2 (MANE Select); coding-DNA positions 1533 to 1536, 4 bases deleted (CACA; older notation c.1533_1536delCACA).
Protein change: p.His511fs; shifts the reading frame from histidine 511.
Molecular consequence: frameshift variant. On other transcripts: non-coding transcript variant (2).
Genome position (GRCh38, 1-based): chr20:3,229,730-3,229,733, TGTG deleted on the plus strand (CACA on the coding strand, the reverse complement: SLC4A11 is on the minus strand); deleting any 4 consecutive bases within chr20:3,229,730-3,229,735 gives the same sequence; the c. name uses the placement nearest the transcript's 3' end. VCF-style (leftmost placement, unchanged base first): chr20-3229729-TTGTG-T. GRCh37 (hg19) VCF-style: chr20-3210375-TTGTG-T.
Other names: c.1662_1665del, p.His554fs (NM_001174090.2); c.1419_1422del, p.His473fs (NM_001363745.2); c.1476_1479del, p.His492fs (NM_001400277.1, NM_001400278.1, NM_001400279.1); c.1548_1551del, p.His516fs (NM_001400280.1); c.1581_1584del, p.His527fs (NM_032034.4); short protein forms H492fs, H554fs, H516fs, H527fs, H473fs, H511fs.
Identifiers: ClinVar variation 2979543 (VCV002979543.3), dbSNP rs2514538551, ClinGen allele CA2740096988.

ClinVar aggregate classification (germline): Pathogenic (1 of 4 stars; one submission).

Submission:

Labcorp Genetics (formerly Invitae), Labcorp
Classification: Pathogenic. Last evaluated: 2023-04-26. Review status: criteria provided, single submitter. Criteria: Invitae Variant Classification Sherloc (09022015). Collection method: clinical testing. Allele origin: germline.
Comment: For these reasons, this variant has been classified as Pathogenic. This variant has not been reported in the literature in individuals affected with SLC4A11-related conditions. This variant is not present in population databases (gnomAD no frequency). This sequence change creates a premature translational stop signal (p.His527Glnfs*106) in the SLC4A11 gene. It is expected to result in an absent or disrupted protein product. Loss-of-function variants in SLC4A11 are known to be pathogenic (PMID: 17220209, 17679935).

Literature cited by the submitters: PubMed 17220209; PubMed 17679935.